The following is an entry in ClinVar:

ClinVar aggregate classification (germline): Conflicting classifications of pathogenicity. Review status: criteria provided, conflicting classifications (1 of 4 stars). 2 submissions from 2 submitters: Pathogenic (1); Uncertain significance (1). Last evaluated 2023-10-23.

Conditions:
Neurofibromatosis, type 1 (NF1). Also called: Peripheral type neurofibromatosis; Neurofibromatosis, type I; NEUROFIBROMATOSIS, TYPE I, SOMATIC; VON RECKLINGHAUSEN DISEASE. Identifiers: Orphanet 636, MedGen C0027831, MONDO:0018975, OMIM 162200. Disease mechanism: loss of function.

Submissions (2):

Labcorp Genetics (formerly Invitae), Labcorp
Classification: Uncertain significance for Neurofibromatosis, type 1. Last evaluated: 2023-10-23. Review status: criteria provided, single submitter. Criteria: Invitae Variant Classification Sherloc (09022015). Collection method: clinical testing. Allele origin: germline.
Comment: This sequence change falls in intron 46 of the NF1 gene. It does not directly change the encoded amino acid sequence of the NF1 protein. It affects a nucleotide within the consensus splice site. This variant is not present in population databases (gnomAD no frequency). This variant has been observed in individual(s) with neurofibromatosis (PMID: 32126153). ClinVar contains an entry for this variant (Variation ID: 816776). Variants that disrupt the consensus splice site are a relatively common cause of aberrant splicing (PMID: 17576681, 9536098). Studies have shown that this variant is associated with altered splicing resulting in unknown protein product impact (PMID: 32126153). In summary, the available evidence is currently insufficient to determine the role of this variant in disease. Therefore, it has been classified as a Variant of Uncertain Significance.

UAB Medical Genomics Laboratory, UAB Medicine
Classification: Pathogenic for Neurofibromatosis, type 1. Last evaluated: 2020-01-20. Review status: criteria provided, single submitter. Criteria: ACMG Guidelines, 2015. Collection method: clinical testing. Allele origin: germline. Affected: yes.

Literature cited by the submitters: PubMed 32126153 (cited by Labcorp Genetics (formerly Invitae), Labcorp and UAB Medical Genomics Laboratory, UAB Medicine); PubMed 17576681 (cited by Labcorp Genetics (formerly Invitae), Labcorp); PubMed 9536098 (cited by Labcorp Genetics (formerly Invitae), Labcorp).

NM_001042492.3(NF1):c.7063-3T>G

Gene: NF1 (neurofibromin 1; plus strand). Cytogenetic location: 17q11.2.
Variant type: single nucleotide variant.
Coding change: c.7063-3T>G on transcript NM_001042492.3 (MANE Select); 3 bases into the intron before coding-DNA position 7063, T replaced by G.
Molecular consequence: intron variant.
Genome position (GRCh38, 1-based): chr17:31,343,006, T>G. VCF-style: chr17-31343006-T-G. GRCh37 (hg19) VCF-style: chr17-29670024-T-G.
Other names: c.7000-3T>G (NM_000267.4).
Identifiers: ClinVar variation 816776 (VCV000816776.5), dbSNP rs1241158120, ClinGen allele CA915949794.